The following is an entry in ClinVar:

ClinVar aggregate classification (germline): Pathogenic. Review status: criteria provided, multiple submitters, no conflicts (2 of 4 stars). 12 submissions from 12 submitters: Pathogenic (10). 2 of the submissions do not count toward it. Last evaluated 2025-09-08.

Conditions:
FANCA-related disorder. Also called: FANCA-related condition.
FANCA-related disorders.
Hereditary cancer-predisposing syndrome. Also called: Tumor predisposition; Hereditary neoplastic syndrome; Hereditary Cancer Syndrome; Neoplastic Syndromes, Hereditary. Identifiers: Orphanet 140162, MedGen C0027672, MeSH D009386, MONDO:0015356.
Fanconi anemia (FA). Also called: Fanconi's anemia. Identifiers: Orphanet 84, MedGen C0015625, MeSH D005199, MONDO:0019391.
Fanconi anemia complementation group A (FANCA). Also called: Fanconi anemia, group A; FANCA-Related Fanconi Anemia. Identifiers: Orphanet 84, MedGen C3469521, MONDO:0009215, OMIM 227650.

Submissions (12):

Labcorp Genetics (formerly Invitae), Labcorp
Classification: Pathogenic for Fanconi anemia. Last evaluated: 2025-09-08. Review status: criteria provided, single submitter. Criteria: Invitae Variant Classification Sherloc (09022015). Collection method: clinical testing. Allele origin: germline.
Comment: This sequence change creates a premature translational stop signal (p.Arg1187Glufs*28) in the FANCA gene. It is expected to result in an absent or disrupted protein product. Loss-of-function variants in FANCA are known to be pathogenic (PMID: 19367192). This variant is present in population databases (rs747851434, gnomAD 0.005%). This premature translational stop signal has been observed in individual(s) with Fanconi anemia (PMID: 9399890, 17924555, 24584348). In at least one individual the data is consistent with being in trans (on the opposite chromosome) from a pathogenic variant. ClinVar contains an entry for this variant (Variation ID: 3444). For these reasons, this variant has been classified as Pathogenic.

3billion
Classification: Pathogenic for Fanconi anemia complementation group A. Last evaluated: 2025-09-05. Review status: criteria provided, single submitter. Criteria: ACMG Guidelines, 2015. Collection method: clinical testing. Allele origin: germline. Affected: yes.
Comment: The variant is observed at an extremely low frequency in the gnomAD v4.1.0 dataset (total allele frequency: 0.003%). Predicted Consequence/Location: Frameshift: predicted to result in a loss or disruption of normal protein function through nonsense-mediated decay (NMD) or protein truncation. Multiple pathogenic variants are reported downstream of the variant. The variant has been reported at least twice as pathogenic with clinical assertions and evidence for the classification (ClinVar ID: VCV000003444 /PMID: 9399890). Therefore, this variant is classified as Pathogenic according to the recommendation of ACMG/AMP guideline.

Natera, Inc.
Classification: Pathogenic for Fanconi anemia. Last evaluated: 2025-05-12. Review status: criteria provided, single submitter. Criteria: Natera Variant Classification Schema (03/2026). Collection method: clinical testing. Allele origin: germline.
Comment: The c.3558dupG variant in FANCA is a frameshift variant predicted to shift the reading frame beginning at codon 1187 and leads to a stop codon 28 codons downstream. This variant is expected to result in nonsense mediated decay, truncation, or a dysfunctional protein product. This variant is rare in the general population with a frequency below the threshold expected for the associated phenotype(s). This variant has been observed in one or more individuals affected with the associated recessive disease, as either homozygous or compound heterozygous with a second variant (PMID: 21273304). Given the available evidence, this variant is classified as Pathogenic.

Molecular Diagnostics Laboratory, Catalan Institute of Oncology
Classification: Pathogenic for Hereditary cancer-predisposing syndrome. Last evaluated: 2025-02-16. Review status: criteria provided, single submitter. Criteria: ACMG Guidelines, 2015. Collection method: clinical testing. Allele origin: germline.
Comment: PVS1, PM3 Actualización DA (17/02/2025): PVS1 (8) + PM3 (2) -> PAT (10). The c.3558dup pathogenic mutation, located at coding exon 36 of 43 exons in the FANCA gene, results from a duplication of one nucleotide at nucleotide position 3558, causing a translational frameshift with a predicted alternate stop codon (p.(Arg1187Glufs*28)). This alteration is expected to result in loss of function by premature protein truncation or nonsense-mediated mRNA decay (PVS1). This variant is found in 6/264120 alleles, at a frequency of 0.0022% in the gnomAD v2.1.1 database, non-cancer dataset. Computational tools predict no significant impact on splicing. This variant has been identified in at least six individuals affected with Fanconi anemia (PMID 9399890, 17924555). It has been reported in at least one Fanconi anemia proband in homozygosis (PMID 9399890) (PM3). The variant was also identified in the following databases, ClinVar** (9x as pathogenic), LOVD (21x as pathogenic, 2 as uncertain significance). Based on the available evidence to date, this variant is classified as pathogenic (PVS1, PM3) according ACMG guidelines.

Baylor Genetics
Classification: Pathogenic for Fanconi anemia complementation group A. Last evaluated: 2024-03-18. Review status: criteria provided, single submitter. Criteria: ACMG Guidelines, 2015. Collection method: clinical testing. Allele origin: unknown.

Fulgent Genetics
Classification: Pathogenic for Fanconi anemia complementation group A. Last evaluated: 2024-02-22. Review status: criteria provided, single submitter. Criteria: ACMG Guidelines, 2015. Collection method: clinical testing. Allele origin: germline.

PreventionGenetics, part of Exact Sciences
Classification: Pathogenic for FANCA-related condition. Last evaluated: 2023-09-15. Review status: criteria provided, single submitter. Criteria: ACMG Guidelines, 2015. Collection method: clinical testing. Allele origin: germline.
Comment: The FANCA c.3558dupG variant is predicted to result in a frameshift and premature protein termination (p.Arg1187Glufs*28). In the literature this variant is also referred to as c.3559insG and c.3558_3559insG. This variant has been reported in the homozygous and presumed compound heterozygous states in individuals with Fanconi anemia (Savino et al. 1997. PubMed ID: 9399890; Ameziane et al. 2008. PubMed ID: 17924555). This variant is reported in 0.0047% of alleles in individuals of European (Non-Finnish) descent in gnomAD. Frameshift variants in FANCA are expected to be pathogenic. This variant is interpreted as pathogenic.

Blueprint Genetics
Classification: Pathogenic for FANCA-related disorders. Last evaluated: 2022-05-13. Review status: criteria provided, single submitter. Criteria: ACMG Guidelines, 2015. Collection method: clinical testing. Allele origin: germline. Affected: yes. Observed: 2 variant alleles.

GeneDx
Classification: Pathogenic. Last evaluated: 2022-04-11. Review status: criteria provided, single submitter. Criteria: GeneDx Variant Classification Process June 2021. Collection method: clinical testing. Allele origin: germline. Affected: yes.
Comment: Frameshift variant predicted to result in protein truncation or nonsense mediated decay in a gene for which loss-of-function is a known mechanism of disease; Reported in ClinVar as pathogenic (ClinVar Variant ID# 3444; ClinVar); This variant is associated with the following publications: (PMID: 10431244, 17924555, 9399890, 31589614, 33718801, 24584348)

Genetic Services Laboratory, University of Chicago
Classification: Pathogenic. Last evaluated: 2021-01-12. Review status: criteria provided, single submitter. Criteria: ACMG Guidelines, 2015. Collection method: clinical testing. Allele origin: germline. Affected: yes.

Counsyl
Classification: Pathogenic for Fanconi anemia complementation group A. Last evaluated: 2016-11-02. Review status: no assertion criteria provided. Collection method: clinical testing. Allele origin: unknown. Not counted in ClinVar's aggregate classification.

OMIM
Classification: Pathogenic for FANCONI ANEMIA, COMPLEMENTATION GROUP A. Last evaluated: 1999-08-01. Review status: no assertion criteria provided. Collection method: literature only. Allele origin: germline. Not counted in ClinVar's aggregate classification.

Literature cited by the submitters: PubMed 19367192 (cited by Labcorp Genetics (formerly Invitae), Labcorp); PubMed 9399890 (cited by Labcorp Genetics (formerly Invitae), Labcorp and 3billion); PubMed 17924555 (cited by Labcorp Genetics (formerly Invitae), Labcorp and Counsyl); PubMed 24584348 (cited by Labcorp Genetics (formerly Invitae), Labcorp); PubMed 21273304 (cited by Natera, Inc.); Waisfisz, Q., Morgan, N. V., Savino, M., de Winter, J. P., van Berkel, C. G. M., Hoatlin, M. E., Ianzano, L., Gibson, R. A., Arwert, F., Savoia, A., Mathew, C. G., Pronk, J. C., Joenje, H. Spontaneous functional correction of homozygous Fanconi anaemia alleles reveals novel mechanistic basis for reverse mosaicism. Nature Genet. 22: 379-383, 1999. (cited by OMIM).

NM_000135.4(FANCA):c.3558dup (p.Arg1187fs)

Gene: FANCA (FA complementation group A; minus strand). Cytogenetic location: 16q24.3.
Variant type: Duplication.
Coding change: c.3558dup on transcript NM_000135.4 (MANE Select); coding-DNA position 3558, one base duplicated (G; older notation c.3558dupG).
Protein change: p.Arg1187fs; shifts the reading frame from arginine 1187.
Molecular consequence: frameshift variant.
Genome position (GRCh38, 1-based): chr16:89,745,027, C duplicated on the plus strand (G on the coding strand, the reverse complement: FANCA is on the minus strand); the first of 2 consecutive C bases (chr16:89,745,027-89,745,028); duplicating either gives the same sequence. VCF-style (leftmost placement, unchanged base first): chr16-89745026-T-TC. GRCh37 (hg19) VCF-style: chr16-89811434-T-TC.
Other names: 1-NT DEL, 3559G; c.3558dup (LRG_495t1, NM_000135.2); c.3558dupG (NM_000135.4, NM_000135.3); c.3558dup, p.Arg1187fs (NM_001286167.3); short protein forms R1187fs.
Identifiers: ClinVar variation 3444 (VCV000003444.30), dbSNP rs747851434, ClinGen allele CA252778.
Genomic context (GRCh38, chr16:89,745,026, plus strand): 5'-CAAACTGCCGGCCTTCTTGTAGCTTCTGCAGTTCCCGGGGCAGCGGGCTCTGGCAGTGTC[T>TC]CCTCCACCGGCAGAGCAGCACAGGCTCCAGGCTCGGCCACCACACCTATGGAGAGAGCAC-3'